The following is an entry in ClinVar:

ClinVar aggregate classification (germline): Pathogenic (1 of 4 stars; one submission).

Submission:

GeneDx
Classification: Pathogenic. Last evaluated: 2025-08-01. Review status: criteria provided, single submitter. Criteria: GeneDx Variant Classification Process June 2021. Collection method: clinical testing. Allele origin: germline. Affected: yes.
Comment: Frameshift variant predicted to result in protein truncation or nonsense mediated decay in a gene for which loss of function is a known mechanism of disease; Not observed at significant frequency in large population cohorts (gnomAD); Has not been previously published as pathogenic or benign to our knowledge

NM_003074.4(SMARCC1):c.2914_2915dup (p.Gln972fs)

Gene: SMARCC1 (SWI/SNF related BAF chromatin remodeling complex subunit C1; minus strand). Cytogenetic location: 3p21.31.
Variant type: Duplication.
Coding change: c.2914_2915dup on transcript NM_003074.4 (MANE Select); coding-DNA positions 2914 to 2915, 2 bases duplicated (CA; older notation c.2914_2915dupCA).
Protein change: p.Gln972fs; shifts the reading frame from glutamine 972.
Molecular consequence: frameshift variant.
Genome position (GRCh38, 1-based): chr3:47,610,194-47,610,195, TG duplicated on the plus strand (CA on the coding strand, the reverse complement: SMARCC1 is on the minus strand). VCF-style (leftmost placement, unchanged base first): chr3-47610193-C-CTG. GRCh37 (hg19) VCF-style: chr3-47651683-C-CTG.
Other names: short protein forms Q972fs.
Identifiers: ClinVar variation 4689821 (VCV004689821.1).